The following is an entry in ClinVar:

ClinVar aggregate classification (germline): Uncertain significance (1 of 4 stars; one submission).

Allele frequency attached by ClinVar (database versions not stated): ExAC 0.00001; gnomAD exomes 0.00001.

Submission:

Labcorp Genetics (formerly Invitae), Labcorp
Classification: Uncertain significance. Last evaluated: 2021-10-14. Review status: criteria provided, single submitter. Criteria: Invitae Variant Classification Sherloc (09022015). Collection method: clinical testing. Allele origin: germline.
Comment: This sequence change replaces aspartic acid with asparagine at codon 279 of the DLL3 protein (p.Asp279Asn). The aspartic acid residue is highly conserved and there is a small physicochemical difference between aspartic acid and asparagine. This variant is present in population databases (rs762991216, ExAC 0.002%). This variant has not been reported in the literature in individuals affected with DLL3-related conditions. Algorithms developed to predict the effect of missense changes on protein structure and function are either unavailable or do not agree on the potential impact of this missense change (SIFT: "Deleterious"; PolyPhen-2: "Probably Damaging"; Align-GVGD: "Class C0"). In summary, the available evidence is currently insufficient to determine the role of this variant in disease. Therefore, it has been classified as a Variant of Uncertain Significance.

NM_203486.3(DLL3):c.835G>A (p.Asp279Asn)

Gene: DLL3 (delta like canonical Notch ligand 3; plus strand). Cytogenetic location: 19q13.2.
Variant type: single nucleotide variant.
Coding change: c.835G>A on transcript NM_203486.3 (MANE Select); coding-DNA position 835, G replaced by A.
Protein change: p.Asp279Asn; replaces aspartic acid 279 with asparagine.
Molecular consequence: missense variant.
Genome position (GRCh38, 1-based): chr19:39,504,253, G>A. VCF-style: chr19-39504253-G-A. GRCh37 (hg19) VCF-style: chr19-39994893-G-A.
Other names: c.835G>A, p.Asp279Asn (NM_016941.4); short protein forms D279N.
Identifiers: ClinVar variation 1509469 (VCV001509469.3), dbSNP rs762991216, ClinGen allele CA9432272.